The following is an entry in ClinVar:

NM_001395413.1(POR):c.1647_1660+15del

Gene: POR (cytochrome p450 oxidoreductase; plus strand). Cytogenetic location: 7q11.23.
Variant type: Deletion.
Coding change: c.1647_1660+15del on transcript NM_001395413.1 (MANE Select); coding-DNA position 1647 through 15 bases into the intron after coding-DNA position 1660, 29 bases deleted (GCTGCGACAGCAGGGTGAGTGGGGTCCCA).
Molecular consequence: splice donor variant.
Genome position (GRCh38, 1-based): chr7:75,985,836-75,985,864, GCTGCGACAGCAGGGTGAGTGGGGTCCCA deleted. VCF-style (leftmost placement, unchanged base first): chr7-75985835-GGCTGCGACAGCAGGGTGAGTGGGGTCCCA-G. GRCh37 (hg19) VCF-style: chr7-75615153-GGCTGCGACAGCAGGGTGAGTGGGGTCCCA-G.
Other names: c.1497_1510+15del (NM_001382662.3); c.1647_1660+15del (NM_001382659.3, NM_001367562.3, NM_001382658.3 and 1 more transcripts); c.1701_1714+15del (NM_001382655.3).
Identifiers: ClinVar variation 2835285 (VCV002835285.3), dbSNP rs2535411225, ClinGen allele CA2739266478.

ClinVar aggregate classification (germline): Likely pathogenic (1 of 4 stars; one submission).

Conditions:
Congenital adrenal hyperplasia due to cytochrome P450 oxidoreductase deficiency. Also called: DISORDERED STEROIDOGENESIS DUE TO POR DEFICIENCY. Identifiers: Orphanet 95699, MedGen C1860042, MONDO:0013310, OMIM 613571.

Submission:

Labcorp Genetics (formerly Invitae), Labcorp
Classification: Likely pathogenic for Congenital adrenal hyperplasia due to cytochrome P450 oxidoreductase deficiency. Last evaluated: 2023-02-08. Review status: criteria provided, single submitter. Criteria: Invitae Variant Classification Sherloc (09022015). Collection method: clinical testing. Allele origin: germline.
Comment: This variant results in the deletion of part of exon 13 (c.1656_1669+15del) of the POR gene. It is expected to disrupt RNA splicing. Variants that disrupt the donor or acceptor splice site typically lead to a loss of protein function (PMID: 16199547), and loss-of-function variants in POR are known to be pathogenic (PMID: 14758361, 20732302, 21741353). This variant is not present in population databases (gnomAD no frequency). This variant has not been reported in the literature in individuals affected with POR-related conditions. Algorithms developed to predict the effect of sequence changes on RNA splicing suggest that this variant may disrupt the consensus splice site. In summary, the currently available evidence indicates that the variant is pathogenic, but additional data are needed to prove that conclusively. Therefore, this variant has been classified as Likely Pathogenic.

Literature cited by the submitters: PubMed 16199547; PubMed 14758361; PubMed 20732302; PubMed 21741353.